The following is an entry in ClinVar:

NM_002103.5(GYS1):c.216C>T (p.Gly72=)

Gene: GYS1 (glycogen synthase 1; minus strand). Cytogenetic location: 19q13.33.
Variant type: single nucleotide variant.
Coding change: c.216C>T on transcript NM_002103.5 (MANE Select); coding-DNA position 216, C replaced by T.
Protein change: p.Gly72=; no amino-acid change (glycine 72 retained).
Molecular consequence: synonymous variant.
Genome position (GRCh38, 1-based): chr19:48,991,386, G>A on the plus strand (C>T on the coding strand, the complement: GYS1 is on the minus strand). VCF-style: chr19-48991386-G-A. GRCh37 (hg19) VCF-style: chr19-49494643-G-A.
Other names: c.216C>T, p.Gly72= (NM_001161587.2).
Identifiers: ClinVar variation 892566 (VCV000892566.12), dbSNP rs773065230, ClinGen allele CA9563417.

ClinVar aggregate classification (germline): Conflicting classifications of pathogenicity. Review status: criteria provided, conflicting classifications (1 of 4 stars). 3 submissions from 3 submitters: Uncertain significance (1); Likely benign (2). Last evaluated 2024-12-04.

Conditions:
GYS1-related disorder. Also called: GYS1-related condition.
Glycogen storage disease due to muscle and heart glycogen synthase deficiency. Also called: GSD 0b; MUSCLE GLYCOGEN SYNTHASE DEFICIENCY. Identifiers: Orphanet 137625, MedGen C1969054, MONDO:0012693, OMIM 611556.

Allele frequency attached by ClinVar (database versions not stated): gnomAD 0.00001; gnomAD exomes 0.00001 and 0.00002; TOPMed 0.00001; ExAC 0.00002.
gnomAD v4.1: 20 of 1,613,948 alleles (0.0012%); highest among the groups gnomAD compares: Middle Eastern, 0.016%; no homozygotes.

Submissions (3):

PreventionGenetics, part of Exact Sciences
Classification: Likely benign for GYS1-related condition. Last evaluated: 2024-12-04. Review status: criteria provided, single submitter. Criteria: ACMG Guidelines, 2015. Collection method: clinical testing. Allele origin: germline.
Comment: This variant is classified as likely benign based on ACMG/AMP sequence variant interpretation guidelines (Richards et al. 2015 PMID: 25741868, with internal and published modifications).

Labcorp Genetics (formerly Invitae), Labcorp
Classification: Likely benign for Glycogen storage disease due to muscle and heart glycogen synthase deficiency. Last evaluated: 2023-11-27. Review status: criteria provided, single submitter. Criteria: Invitae Variant Classification Sherloc (09022015). Collection method: clinical testing. Allele origin: germline.

Illumina Laboratory Services, Illumina
Classification: Uncertain significance for Glycogen storage disease due to muscle and heart glycogen synthase deficiency. Last evaluated: 2018-01-13. Review status: criteria provided, single submitter. Criteria: ICSL Variant Classification Criteria 13 December 2019. Collection method: clinical testing. Allele origin: germline.